The following is an entry in ClinVar:

NM_001369.3(DNAH5):c.13463_13464insAGCAG (p.Gln4489fs)

Gene: DNAH5 (dynein axonemal heavy chain 5; minus strand). Cytogenetic location: 5p15.2.
Variant type: Insertion.
Coding change: c.13463_13464insAGCAG on transcript NM_001369.3 (MANE Select); coding-DNA positions 13463 to 13464, AGCAG inserted.
Protein change: p.Gln4489fs; shifts the reading frame from glutamine 4489.
Molecular consequence: frameshift variant.
Genome position: GRCh38 VCF-style: chr5-13701311-G-GCTGCT. GRCh37 (hg19) VCF-style: chr5-13701420-G-GCTGCT.
Other names: short protein forms Q4489fs.
Identifiers: ClinVar variation 5016365 (VCV005016365.1).

ClinVar aggregate classification (germline): Pathogenic (1 of 4 stars; one submission).

Conditions:
Primary ciliary dyskinesia 3. Identifiers: Orphanet 244, MedGen C1837618, MONDO:0012085, OMIM 608644.

Submission:

Myriad Genetics, Inc.
Classification: Pathogenic for Primary ciliary dyskinesia 3. Last evaluated: 2024-05-14. Review status: criteria provided, single submitter. Criteria: Myriad Autosomal Dominant, Autosomal Recessive and X-Linked Classification Criteria (2023). Collection method: clinical testing. Allele origin: unknown.
Comment: NM_001369.2(DNAH5):c.13463_13464ins5(Q4489Afs*6) is expected to be pathogenic in the context of primary ciliary dyskinesia, DNAH5-related. This variant is predicted to lead to an abnormal or absent protein product due to the creation of a premature termination codon in DNAH5, a gene where loss-of-function variants are known to be pathogenic. Please note: this variant was assessed in the context of healthy population screening.